The following is an entry in ClinVar:

ClinVar aggregate classification (germline): Uncertain significance. Review status: criteria provided, multiple submitters, no conflicts (2 of 4 stars). 2 submissions from 2 submitters: Uncertain significance (2). Last evaluated 2025-10-09.

Allele frequency attached by ClinVar (database versions not stated): ExAC 0.00001; gnomAD 0.00001; gnomAD exomes 0.00001; TOPMed 0.00003.
gnomAD v4.1: 9 of 1,610,458 alleles (0.00056%); highest among the groups gnomAD compares: Admixed American, 0.0017%; no homozygotes.

Submissions (2):

Labcorp Genetics (formerly Invitae), Labcorp
Classification: Uncertain significance. Last evaluated: 2025-10-09. Review status: criteria provided, single submitter. Criteria: Invitae Variant Classification Sherloc (09022015). Collection method: clinical testing. Allele origin: germline.
Comment: This sequence change replaces phenylalanine, which is neutral and non-polar, with isoleucine, which is neutral and non-polar, at codon 15 of the DNA2 protein (p.Phe15Ile). This variant is present in population databases (rs772386473, gnomAD 0.003%). This variant has not been reported in the literature in individuals affected with DNA2-related conditions. ClinVar contains an entry for this variant (Variation ID: 1902765). An algorithm developed to predict the effect of missense changes on protein structure and function (PolyPhen-2) suggests that this variant is likely to be tolerated. In summary, the available evidence is currently insufficient to determine the role of this variant in disease. Therefore, it has been classified as a Variant of Uncertain Significance.

GeneDx
Classification: Uncertain significance. Last evaluated: 2025-05-12. Review status: criteria provided, single submitter. Criteria: GeneDx Variant Classification Process June 2021. Collection method: clinical testing. Allele origin: germline. Affected: yes.
Comment: Not observed at significant frequency in large population cohorts (gnomAD); In silico analysis suggests that this missense variant does not alter protein structure/function; Has not been previously published as pathogenic or benign to our knowledge

NM_001080449.3(DNA2):c.43T>A (p.Phe15Ile)

Gene: DNA2 (DNA replication helicase/nuclease 2; minus strand). Cytogenetic location: 10q21.3.
Variant type: single nucleotide variant.
Coding change: c.43T>A on transcript NM_001080449.3 (MANE Select); coding-DNA position 43, T replaced by A.
Protein change: p.Phe15Ile; replaces phenylalanine 15 with isoleucine.
Molecular consequence: missense variant. On other transcripts: non-coding transcript variant (1).
Genome position (GRCh38, 1-based): chr10:68,471,822, A>T on the plus strand (T>A on the coding strand, the complement: DNA2 is on the minus strand). VCF-style: chr10-68471822-A-T. GRCh37 (hg19) VCF-style: chr10-70231579-A-T.
Other names: c.43T>A (NM_001080449.2); short protein forms F15I.
Identifiers: ClinVar variation 1902765 (VCV001902765.6), dbSNP rs772386473, ClinGen allele CA5525414.